The following is an entry in ClinVar:

NM_004004.6(GJB2):c.376G>T (p.Val126Phe)

Gene: GJB2 (gap junction protein beta 2; minus strand). Cytogenetic location: 13q12.11.
Variant type: single nucleotide variant.
Coding change: c.376G>T on transcript NM_004004.6 (MANE Select); coding-DNA position 376, G replaced by T.
Protein change: p.Val126Phe; replaces valine 126 with phenylalanine.
Molecular consequence: missense variant.
Genome position (GRCh38, 1-based): chr13:20,189,206, C>A on the plus strand (G>T on the coding strand, the complement: GJB2 is on the minus strand). VCF-style: chr13-20189206-C-A. GRCh37 (hg19) VCF-style: chr13-20763345-C-A.
Other names: short protein forms V126F.
Identifiers: ClinVar variation 4700410 (VCV004700410.1).

ClinVar aggregate classification (germline): Uncertain significance (1 of 4 stars; one submission).

Submission:

Labcorp Genetics (formerly Invitae), Labcorp
Classification: Uncertain significance. Last evaluated: 2025-04-09. Review status: criteria provided, single submitter. Criteria: Invitae Variant Classification Sherloc (09022015). Collection method: clinical testing. Allele origin: germline.
Comment: This sequence change replaces valine, which is neutral and non-polar, with phenylalanine, which is neutral and non-polar, at codon 126 of the GJB2 protein (p.Val126Phe). This variant is not present in population databases (gnomAD no frequency). This variant has not been reported in the literature in individuals affected with GJB2-related conditions. Invitae Evidence Modeling of protein sequence and biophysical properties (such as structural, functional, and spatial information, amino acid conservation, physicochemical variation, residue mobility, and thermodynamic stability) has been performed for this missense variant. However, the output from this modeling did not meet the statistical confidence thresholds required to predict the impact of this variant on GJB2 protein function. In summary, the available evidence is currently insufficient to determine the role of this variant in disease. Therefore, it has been classified as a Variant of Uncertain Significance.